The following is an entry in ClinVar:

ClinVar aggregate classification (germline): Pathogenic (1 of 4 stars; one submission).

Submission:

GeneDx
Classification: Pathogenic. Last evaluated: 2019-03-08. Review status: criteria provided, single submitter. Criteria: GeneDx Variant Classification (06012015). Collection method: clinical testing. Allele origin: germline. Affected: yes.
Comment: The c.526delT variant in the PSMD12 gene has not been reported previously as a pathogenic variant nor as a benign variant, to our knowledge. The c.526delT variant causes a frameshift starting with codon Serine 176, changes this amino acid to a Glutamine residue, and creates a premature Stop codon at position 15 of the new reading frame, denoted p.Ser176GlnfsX15. This variant is predicted to cause loss of normal protein function either through protein truncation or nonsense-mediated mRNA decay. The c.526delT variant is not observed in large population cohorts (Lek et al., 2016). We interpret c.526delT as a pathogenic variant,

NM_002816.5(PSMD12):c.526del (p.Ser176fs)

Gene: PSMD12 (proteasome 26S subunit, non-ATPase 12; minus strand). Cytogenetic location: 17q24.2.
Variant type: Deletion.
Coding change: c.526del on transcript NM_002816.5 (MANE Select); coding-DNA position 526, one base deleted (T; older notation c.526delT).
Protein change: p.Ser176fs; shifts the reading frame from serine 176.
Molecular consequence: frameshift variant.
Genome position (GRCh38, 1-based): chr17:67,347,470, A deleted on the plus strand (T on the coding strand, the reverse complement: PSMD12 is on the minus strand). VCF-style (leftmost placement, unchanged base first): chr17-67347469-GA-G. GRCh37 (hg19) VCF-style: chr17-65343585-GA-G.
Other names: c.349del, p.Ser117fs (NM_001316341.2); c.466del, p.Ser156fs (NM_174871.4); short protein forms S156fs, S176fs, S117fs.
Identifiers: ClinVar variation 818024 (VCV000818024.1), dbSNP rs1598560094, ClinGen allele CA915952041.